The following is an entry in ClinVar:

NM_007078.3(LDB3):c.917C>T (p.Pro306Leu)

Gene: LDB3 (LIM domain binding 3; plus strand). Cytogenetic location: 10q23.2.
Variant type: single nucleotide variant.
Coding change: c.917C>T on transcript NM_007078.3 (MANE Select); coding-DNA position 917, C replaced by T.
Protein change: p.Pro306Leu; replaces proline 306 with leucine.
Molecular consequence: missense variant. On other transcripts: intron variant (4).
Genome position (GRCh38, 1-based): chr10:86,706,551, C>T. VCF-style: chr10-86706551-C-T. GRCh37 (hg19) VCF-style: chr10-88466308-C-T.
Other names: c.776C>T, p.Pro259Leu (NM_001368066.1); c.897-3354C>T (NM_001368064.1, NM_001368065.1); c.1101-3354C>T (NM_001171610.2); c.756-3354C>T (NM_001080114.2); short protein forms P259L, P306L.
Identifiers: ClinVar variation 1440988 (VCV001440988.9), dbSNP rs955622381, ClinGen allele CA211196297.
Genomic context (GRCh38, chr10:86,706,551, plus strand): 5'-GCTCCCTTGACCTGTTGTCTTTTTGGTCCCGCCTCATCAGCACCCCTATTGAGCATGCGC[C>T]GGTGTGCACCAGCCAGGCCACCACCCCGCTGCTGCCCGCTTCTGCCCAGCCACCTGCTGC-3'
Protein context (NP_009009.1, residues 296-316): RRSSTPIEHA[Pro306Leu]VCTSQATTPL

ClinVar aggregate classification (germline): Uncertain significance. Review status: criteria provided, multiple submitters, no conflicts (2 of 4 stars). 3 submissions from 3 submitters: Uncertain significance (3). Last evaluated 2025-10-16.

Conditions:
Myofibrillar myopathy 4. Also called: Zaspopathy (type). Identifiers: Orphanet 98912, MedGen C4721886, MONDO:0012277, OMIM 609452.
Cardiovascular phenotype. Identifiers: MedGen CN230736.

Allele frequency attached by ClinVar (database versions not stated): gnomAD exomes below 0.00001 and 0.00001; TOPMed below 0.00001; gnomAD 0.00001.
gnomAD v4.1: 13 of 1,612,732 alleles (0.00081%); highest among the groups gnomAD compares: African/African-American, 0.0027%; no homozygotes.

Submissions (3):

Labcorp Genetics (formerly Invitae), Labcorp
Classification: Uncertain significance for Myofibrillar myopathy 4. Last evaluated: 2025-10-16. Review status: criteria provided, single submitter. Criteria: Invitae Variant Classification Sherloc (09022015). Collection method: clinical testing. Allele origin: germline.
Comment: The LDB3 gene has multiple clinically relevant transcripts. This variant occurs in alternate transcript NM_007078.3, and corresponds to NM_001080116.1:c.*7177C>T in the primary transcript. This sequence change replaces proline, which is neutral and non-polar, with leucine, which is neutral and non-polar, at codon 306 of the LDB3 protein (p.Pro306Leu). This variant is present in population databases (no rsID available, gnomAD 0.0009%). This variant has not been reported in the literature in individuals affected with LDB3-related conditions. Experimental studies and prediction algorithms are not available or were not evaluated, and the functional significance of this variant is currently unknown. In summary, the available evidence is currently insufficient to determine the role of this variant in disease. Therefore, it has been classified as a Variant of Uncertain Significance.

Blueprint Genetics
Classification: Uncertain significance. Last evaluated: 2024-07-24. Review status: criteria provided, single submitter. Criteria: ACMG Guidelines, 2015. Collection method: clinical testing. Allele origin: germline.

Ambry Genetics
Classification: Uncertain significance for Cardiovascular phenotype. Last evaluated: 2021-08-31. Review status: criteria provided, single submitter. Criteria: Ambry Variant Classification Scheme 2023. Collection method: clinical testing. Allele origin: germline.
Comment: The p.P306L variant (also known as c.917C>T), located in coding exon 7 of the LDB3 gene, results from a C to T substitution at nucleotide position 917. The proline at codon 306 is replaced by leucine, an amino acid with similar properties. This amino acid position is conserved. In addition, the in silico prediction for this alteration is inconclusive. Since supporting evidence is limited at this time, the clinical significance of this alteration remains unclear.